The following is an entry in ClinVar:

NM_170606.3(KMT2C):c.14168T>G (p.Val4723Gly)

Gene: KMT2C (lysine methyltransferase 2C; minus strand). Cytogenetic location: 7q36.1.
Variant type: single nucleotide variant.
Coding change: c.14168T>G on transcript NM_170606.3 (MANE Select); coding-DNA position 14168, T replaced by G.
Protein change: p.Val4723Gly; replaces valine 4723 with glycine.
Molecular consequence: missense variant.
Genome position (GRCh38, 1-based): chr7:152,145,159, A>C on the plus strand (T>G on the coding strand, the complement: KMT2C is on the minus strand). VCF-style: chr7-152145159-A-C. GRCh37 (hg19) VCF-style: chr7-151842244-A-C.
Other names: short protein forms V4723G.
Identifiers: ClinVar variation 3906438 (VCV003906438.1).

ClinVar aggregate classification (germline): Uncertain significance (1 of 4 stars; one submission).

Submission:

GeneDx
Classification: Uncertain significance. Last evaluated: 2024-12-23. Review status: criteria provided, single submitter. Criteria: GeneDx Variant Classification Process June 2021. Collection method: clinical testing. Allele origin: germline. Affected: yes.
Comment: Not observed at significant frequency in large population cohorts (gnomAD); In silico analysis supports that this missense variant has a deleterious effect on protein structure/function; Has not been previously published as pathogenic or benign to our knowledge; In silico analysis is inconclusive as to whether the variant alters gene splicing. In the absence of RNA/functional studies, the actual effect of this sequence change is unknown.